The following is an entry in ClinVar:

ClinVar aggregate classification (germline): Uncertain significance (1 of 4 stars; one submission).

Conditions:
Gillespie syndrome (GLSP). Also called: Aniridia, cerebellar ataxia, and mental deficiency; Aniridia-cerebellar ataxia-intellectual disability syndrome. Identifiers: Orphanet 1065, MedGen C0431401, MONDO:0008795, OMIM 206700.

gnomAD v4.1: 2 of 1,613,948 alleles (0.00012%); highest among the groups gnomAD compares: Non-Finnish European, 0.00017%; no homozygotes.

Submission:

Victorian Clinical Genetics Services, Murdoch Childrens Research Institute
Classification: Uncertain significance for Gillespie syndrome. Last evaluated: 2020-05-26. Review status: criteria provided, single submitter. Criteria: ACMG Guidelines, 2015. Collection method: clinical testing. Allele origin: germline. Affected: yes.
Comment: Based on the classification scheme VCGS_Germline_v1.1.1, this variant is classified as 3B-VUS. Following criteria are met: 0103 - Both loss- and gain-of-function are known mechanisms of disease for this gene. Both reported for missense variants (PMIDs:29925855; 28620721). (N) 0108 - This gene is known to be associated with both recessive and dominant disease. Gillespie syndrome (AR) and Spinocerebellar ataxia 15 and 29 (AR) (OMIM). (N) 0200 - Variant is predicted to result in a missense amino acid change from valine to methionine (exon 20). (N) 0251 - Variant is heterozygous. (N) 0301 - Variant is absent from gnomAD. (P) 0501 - Missense variant consistently predicted to be damaging by multiple in silico tools and very highly conserved with a minor amino acid change. (P) 0604 - Variant is not located in an established domain, motif, hotspot or informative constraint region. (N) 0705 - No comparable variants have previous evidence for pathogenicity. (N) 0807 - Variant has not previously been reported in a clinical context. (N) 0905 - No segregation evidence has been identified for this variant. (N) 1007 - No published functional evidence has been identified for this variant in the literature. (N) 1207 - Parental origin of the variant is unresolved although the variant is not paternally inherited. (N) Legend: (P) - Pathogenic, (N) - Neutral, (B) - Benign

Literature cited by the submitters: PubMed 28620721; PubMed 29925855.

NM_001378452.1(ITPR1):c.2371G>A (p.Val791Met)

Gene: ITPR1 (inositol 1,4,5-trisphosphate receptor type 1; plus strand). Cytogenetic location: 3p26.1.
Variant type: single nucleotide variant.
Coding change: c.2371G>A on transcript NM_001378452.1 (MANE Select); coding-DNA position 2371, G replaced by A.
Protein change: p.Val791Met; replaces valine 791 with methionine.
Molecular consequence: missense variant.
Genome position (GRCh38, 1-based): chr3:4,673,302, G>A. VCF-style: chr3-4673302-G-A. GRCh37 (hg19) VCF-style: chr3-4714986-G-A.
Other names: c.2371G>A, p.Val791Met (NM_001099952.4); c.2326G>A, p.Val776Met (NM_001168272.2, NM_002222.7); short protein forms V776M, V791M.
Identifiers: ClinVar variation 3377474 (VCV003377474.1).